The following is an entry in ClinVar:

ClinVar aggregate classification (germline): Conflicting classifications of pathogenicity. Review status: criteria provided, conflicting classifications (1 of 4 stars). 5 submissions from 5 submitters: Uncertain significance (3); Likely benign (2). Last evaluated 2026-01-13.

Conditions:
ALK-related disorder. Also called: ALK-related condition.
Neuroblastoma, susceptibility to, 3. Also called: ALK-Related Neuroblastic Tumor Susceptibility. Identifiers: Orphanet 635, MedGen C2751681, MONDO:0013083, OMIM 613014.
Hereditary cancer-predisposing syndrome. Also called: Tumor predisposition; Hereditary Cancer Syndrome; Neoplastic Syndromes, Hereditary; Hereditary neoplastic syndrome. Identifiers: Orphanet 140162, MedGen C0027672, MeSH D009386, MONDO:0015356.

Allele frequency attached by ClinVar (database versions not stated): gnomAD 0.00003; TOPMed 0.00007.
gnomAD v4.1: 23 of 1,588,704 alleles (0.0014%); highest among the groups gnomAD compares: East Asian, 0.05%; no homozygotes.

Submissions (5):

Labcorp Genetics (formerly Invitae), Labcorp
Classification: Uncertain significance for Neuroblastoma, susceptibility to, 3. Last evaluated: 2026-01-13. Review status: criteria provided, single submitter. Criteria: Invitae Variant Classification Sherloc (09022015). Collection method: clinical testing. Allele origin: germline.
Comment: This sequence change replaces glycine, which is neutral and non-polar, with valine, which is neutral and non-polar, at codon 129 of the ALK protein (p.Gly129Val). This variant is present in population databases (rs760041708, gnomAD 0.05%). This variant has not been reported in the literature in individuals affected with ALK-related conditions. ClinVar contains an entry for this variant (Variation ID: 335714). An algorithm developed to predict the effect of missense changes on protein structure and function (PolyPhen-2) suggests that this variant is likely to be disruptive. In summary, the available evidence is currently insufficient to determine the role of this variant in disease. Therefore, it has been classified as a Variant of Uncertain Significance.

Ambry Genetics
Classification: Likely benign for Hereditary cancer-predisposing syndrome. Last evaluated: 2024-10-28. Review status: criteria provided, single submitter. Criteria: Ambry Variant Classification Scheme 2023. Collection method: clinical testing. Allele origin: germline.

Baylor Genetics
Classification: Uncertain significance for Neuroblastoma, susceptibility to, 3. Last evaluated: 2024-02-19. Review status: criteria provided, single submitter. Criteria: ACMG Guidelines, 2015. Collection method: clinical testing. Allele origin: unknown.

PreventionGenetics, part of Exact Sciences
Classification: Uncertain significance for ALK-related condition. Last evaluated: 2023-02-14. Review status: criteria provided, single submitter. Criteria: ACMG Guidelines, 2015. Collection method: clinical testing. Allele origin: germline.
Comment: The ALK c.386G>T variant is predicted to result in the amino acid substitution p.Gly129Val. To our knowledge, this variant has not been reported in the literature. This variant is reported in 0.050% of alleles in individuals of East Asian descent in gnomAD. In ClinVar, this variant is interpreted as likely benign/uncertain. Although we suspect that this variant may be benign, at this time, the clinical significance of this variant is uncertain due to the absence of conclusive functional and genetic evidence.

Illumina Laboratory Services, Illumina
Classification: Likely benign for Neuroblastoma, susceptibility to, 3. Last evaluated: 2018-01-13. Review status: criteria provided, single submitter. Criteria: ICSL Variant Classification Criteria 13 December 2019. Collection method: clinical testing. Allele origin: germline.
Comment: This variant was observed in the ICSL laboratory as part of a predisposition screen in an ostensibly healthy population. It had not been previously curated by ICSL or reported in the Human Gene Mutation Database (HGMD: prior to June 1st, 2018), and was therefore a candidate for classification through an automated scoring system. Utilizing variant allele frequency, disease prevalence and penetrance estimates, and inheritance mode, an automated score was calculated to assess if this variant is too frequent to cause the disease. Based on the score and internal cut-off values, a variant classified as likely benign is not then subjected to further curation. The score for this variant resulted in a classification of likely benign for this disease.

NM_004304.5(ALK):c.386G>T (p.Gly129Val)

Gene: ALK (ALK receptor tyrosine kinase; minus strand). Cytogenetic location: 2p23.1.
Variant type: single nucleotide variant.
Coding change: c.386G>T on transcript NM_004304.5 (MANE Select); coding-DNA position 386, G replaced by T.
Protein change: p.Gly129Val; replaces glycine 129 with valine.
Molecular consequence: missense variant.
Genome position (GRCh38, 1-based): chr2:29,920,274, C>A on the plus strand (G>T on the coding strand, the complement: ALK is on the minus strand). VCF-style: chr2-29920274-C-A. GRCh37 (hg19) VCF-style: chr2-30143140-C-A.
Other names: short protein forms G129V.
Identifiers: ClinVar variation 335714 (VCV000335714.16), dbSNP rs760041708, ClinGen allele CA1594986.